The following is an entry in ClinVar:

NM_174889.5(NDUFAF2):c.128-4_128-2del

Gene: NDUFAF2 (NADH:ubiquinone oxidoreductase complex assembly factor 2; plus strand). Cytogenetic location: 5q12.1.
Variant type: Deletion.
Coding change: c.128-4_128-2del on transcript NM_174889.5 (MANE Select); 4 bases into the intron before coding-DNA position 128 through the canonical splice acceptor site of the intron before coding-DNA position 128, 3 bases deleted (ATA; older notation c.128-4_128-2delATA).
Molecular consequence: splice acceptor variant.
Genome position (GRCh38, 1-based): chr5:61,073,121-61,073,123, ATA deleted. VCF-style (leftmost placement, unchanged base first): chr5-61073120-TATA-T. GRCh37 (hg19) VCF-style: chr5-60368947-TATA-T.
Identifiers: ClinVar variation 2731416 (VCV002731416.3), dbSNP rs2532030559, ClinGen allele CA2697547185.
Genomic context (GRCh38, chr5:61,073,120, plus strand): 5'-ATTAATTGTAGAACTACTGTATCATAGGTTCATTTAAAAATGTATTAATGACTTTTGTCT[TATA>T]GGACAAACTATTCGAGAGAAAAGAATTGTAGAAGCAGCAAATAAAAAAGAAGTAGACTAT-3'

ClinVar aggregate classification (germline): Likely pathogenic (1 of 4 stars; one submission).

Submission:

Labcorp Genetics (formerly Invitae), Labcorp
Classification: Likely pathogenic. Last evaluated: 2023-06-28. Review status: criteria provided, single submitter. Criteria: Invitae Variant Classification Sherloc (09022015). Collection method: clinical testing. Allele origin: germline.
Comment: This sequence change affects a splice site in intron 1 of the NDUFAF2 gene. It is expected to disrupt RNA splicing. Variants that disrupt the donor or acceptor splice site typically lead to a loss of protein function (PMID: 16199547), and loss-of-function variants in NDUFAF2 are known to be pathogenic (PMID: 18180188). This variant is not present in population databases (gnomAD no frequency). This variant has not been reported in the literature in individuals affected with NDUFAF2-related conditions. Algorithms developed to predict the effect of sequence changes on RNA splicing suggest that this variant may disrupt the consensus splice site. In summary, the currently available evidence indicates that the variant is pathogenic, but additional data are needed to prove that conclusively. Therefore, this variant has been classified as Likely Pathogenic.

Literature cited by the submitters: PubMed 16199547; PubMed 18180188.